The following is an entry in ClinVar:

ClinVar aggregate classification (germline): Pathogenic/Likely pathogenic. Review status: criteria provided, multiple submitters, no conflicts (2 of 4 stars). 2 submissions from 2 submitters: Pathogenic (1); Likely pathogenic (1). Last evaluated 2015-10-02.

Conditions:
Fanconi anemia, complementation group S (FANCS). Identifiers: MedGen C4554406, MONDO:0054748, OMIM 617883.
Breast-ovarian cancer, familial, susceptibility to, 1 (BROVCA1). Also called: BRCA1 Hereditary Breast and Ovarian Cancer; OVARIAN CANCER, SUSCEPTIBILITY TO. Identifiers: Orphanet 145, MedGen C2676676, MONDO:0011450, OMIM 604370. Disease mechanism: loss of function.

Submissions (3):

Consortium of Investigators of Modifiers of BRCA1/2 (CIMBA), c/o University of Cambridge
Classification: Pathogenic for Breast-ovarian cancer, familial, susceptibility to, 1. Last evaluated: 2015-10-02. Review status: criteria provided, single submitter. Criteria: CIMBA Mutation Classification guidelines May 2016. Collection method: clinical testing. Allele origin: germline.

Department of Pathology and Laboratory Medicine, Sinai Health System
Classification: Likely pathogenic for Fanconi anemia, complementation group S. Review status: criteria provided, single submitter. Criteria: ACMG Guidelines, 2015. Collection method: clinical testing. Allele origin: germline.

Brotman Baty Institute, University of Washington
No classification provided (evidence only). Condition: Breast-ovarian cancer, familial 1. Review status: no classification provided. Collection method: in vitro. Allele origin: not applicable. Functional consequence: functionally_normal. Not counted in ClinVar's aggregate classification.
ClinVar note: "not provided" was previously submitted as the classification for the variant. However, the classification appeared to be based only on an observation of functional data so it was converted to no classification on 2025-07-30.

NM_007294.4(BRCA1):c.-19-2A>G

Gene: BRCA1 (BRCA1 DNA repair associated; minus strand). Cytogenetic location: 17q21.31.
Variant type: single nucleotide variant.
Coding change: c.-19-2A>G on transcript NM_007294.4 (MANE Select); the canonical splice acceptor site of the intron before 19 bases upstream of the start codon, A replaced by G.
Molecular consequence: splice acceptor variant. On other transcripts: intron variant (66), 5 prime UTR variant (10).
Genome position (GRCh38, 1-based): chr17:43,124,117, T>C on the plus strand (A>G on the coding strand, the complement: BRCA1 is on the minus strand). VCF-style: chr17-43124117-T-C. GRCh37 (hg19) VCF-style: chr17-41276134-T-C.
Other names: c.-19-2A>G (NM_001407664.1, NM_001407648.1, NM_001408419.1 and 159 more transcripts); c.-224+1160A>G (NM_001407962.1, NM_001408512.1, NM_001408510.1); c.-109+1160A>G (NM_001407885.1); c.-62+1160A>G (NM_001408470.1, NM_001407848.1, NM_001407839.1 and 6 more transcripts); c.-438-2A>G (NM_001407965.1); c.-276-2A>G (NM_001407930.1, NM_001407843.1, NM_001408456.1 and 11 more transcripts); c.-178+1160A>G (NM_001407746.1); c.-93-15A>G (NM_001408461.1, NM_001407738.1); and 28 more.
Identifiers: ClinVar variation 267511 (VCV000267511.6), dbSNP rs886040902, ClinGen allele CA10602608.
Genomic context (GRCh38, chr17:43,124,117, plus strand): 5'-CATTTTGTACTTCTTCAACGCGAAGAGCAGATAAATCCATTTCTTTCTGTTCCAATGAAC[T>C]TTAACACATTAGAAAAACATATATATATATCTTTTTAAAAGGTTTATAAAATGACAACTT-3'